The following is an entry in ClinVar:

ClinVar aggregate classification (germline): Uncertain significance. Review status: criteria provided, multiple submitters, no conflicts (2 of 4 stars). 2 submissions from 2 submitters: Uncertain significance (2). Last evaluated 2023-08-07.

Conditions:
Progressive myoclonic epilepsy type 7. Identifiers: Orphanet 435438, MedGen C4015420, MONDO:0014521, OMIM 616187.

Submissions (2):

Labcorp Genetics (formerly Invitae), Labcorp
Classification: Uncertain significance for Progressive myoclonic epilepsy type 7. Last evaluated: 2023-08-07. Review status: criteria provided, single submitter. Criteria: Invitae Variant Classification Sherloc (09022015). Collection method: clinical testing. Allele origin: germline.
Comment: This variant has not been reported in the literature in individuals affected with KCNC1-related conditions. ClinVar contains an entry for this variant (Variation ID: 928891). Advanced modeling of protein sequence and biophysical properties (such as structural, functional, and spatial information, amino acid conservation, physicochemical variation, residue mobility, and thermodynamic stability) performed at Invitae indicates that this missense variant is not expected to disrupt KCNC1 protein function. In summary, the available evidence is currently insufficient to determine the role of this variant in disease. Therefore, it has been classified as a Variant of Uncertain Significance. This variant is not present in population databases (gnomAD no frequency). This sequence change replaces phenylalanine, which is neutral and non-polar, with leucine, which is neutral and non-polar, at codon 46 of the KCNC1 protein (p.Phe46Leu).

Women's Health and Genetics/Laboratory Corporation of America, LabCorp
Classification: Uncertain significance. Last evaluated: 2019-03-26. Review status: criteria provided, single submitter. Criteria: LabCorp Variant Classification Summary - May 2015. Collection method: clinical testing. Allele origin: germline.
Comment: Variant summary: KCNC1 c.138C>G (p.Phe46Leu) results in a non-conservative amino acid change located in the Potassium channel tetramerisation-type BTB domain (IPR003131) of the encoded protein sequence. Three of five in-silico tools predict a damaging effect of the variant on protein function. The variant was absent in 273710 control chromosomes (gnomAD). The available data on variant occurrences in the general population are insufficient to allow any conclusion about variant significance. To our knowledge, no occurrence of c.138C>G in individuals affected with Epilepsy, progressive myoclonic 7 and no experimental evidence demonstrating its impact on protein function have been reported. No clinical diagnostic laboratories have submitted clinical-significance assessments for this variant to ClinVar after 2014. Based on the evidence outlined above, the variant was classified as uncertain significance.

NM_001112741.2(KCNC1):c.138C>G (p.Phe46Leu)

Gene: KCNC1 (potassium voltage-gated channel subfamily C member 1; plus strand). Cytogenetic location: 11p15.1.
Variant type: single nucleotide variant.
Coding change: c.138C>G on transcript NM_001112741.2 (MANE Select); coding-DNA position 138, C replaced by G.
Protein change: p.Phe46Leu; replaces phenylalanine 46 with leucine.
Molecular consequence: missense variant.
Genome position (GRCh38, 1-based): chr11:17,736,140, C>G. VCF-style: chr11-17736140-C-G. GRCh37 (hg19) VCF-style: chr11-17757687-C-G.
Other names: c.138C>G, p.Phe46Leu (NM_004976.4); short protein forms F46L.
Identifiers: ClinVar variation 928891 (VCV000928891.11), dbSNP rs1848763448, ClinGen allele CA379799231.